The following is an entry in ClinVar:

ClinVar aggregate classification (germline): Conflicting classifications of pathogenicity. Review status: criteria provided, conflicting classifications (1 of 4 stars). 5 submissions from 5 submitters: Uncertain significance (4); Likely benign (1). Last evaluated 2025-11-02.

Conditions:
Hereditary nonpolyposis colorectal neoplasms. Identifiers: MedGen C0009405, MeSH D003123.
Hereditary cancer-predisposing syndrome. Also called: Tumor predisposition; Neoplastic Syndromes, Hereditary; Hereditary neoplastic syndrome; Hereditary Cancer Syndrome. Identifiers: Orphanet 140162, MedGen C0027672, MeSH D009386, MONDO:0015356.

Allele frequency attached by ClinVar (database versions not stated): ExAC 0.00001; gnomAD exomes 0.00001.

Submissions (5):

Labcorp Genetics (formerly Invitae), Labcorp
Classification: Likely benign for Hereditary nonpolyposis colorectal neoplasms. Last evaluated: 2025-11-02. Review status: criteria provided, single submitter. Criteria: Invitae Variant Classification Sherloc (09022015). Collection method: clinical testing. Allele origin: germline.

Ambry Genetics
Classification: Uncertain significance for Hereditary cancer-predisposing syndrome. Last evaluated: 2024-04-20. Review status: criteria provided, single submitter. Criteria: Ambry Variant Classification Scheme 2023. Collection method: clinical testing. Allele origin: germline.
Comment: The p.M1270V variant (also known as c.3808A>G), located in coding exon 9 of the MSH6 gene, results from an A to G substitution at nucleotide position 3808. The methionine at codon 1270 is replaced by valine, an amino acid with highly similar properties. This variant was reported in 0/60,466 breast cancer cases and in 1/53,461 controls (Dorling et al. N Engl J Med. 2021 02;384:428-439). This amino acid position is highly conserved in available vertebrate species. In addition, this alteration is predicted to be deleterious by in silico analysis. Since supporting evidence is limited at this time, the clinical significance of this alteration remains unclear.

Blueprint Genetics
Classification: Uncertain significance. Last evaluated: 2023-07-24. Review status: criteria provided, single submitter. Criteria: ACMG Guidelines, 2015. Collection method: clinical testing. Allele origin: germline.

Sema4
Classification: Uncertain significance for Hereditary cancer-predisposing syndrome. Last evaluated: 2021-08-10. Review status: criteria provided, single submitter. Criteria: Sema4 Curation Guidelines. Collection method: curation. Allele origin: germline.
Comment: To the best of our knowledge, the MSH6 c.3808A>G (p.M1270V) variant has not been reported in individuals with Lynch syndrome-related disease. It was observed in 1/21638 chromosomes of the Finnish subpopulation in the large and broad cohorts of the Genome Aggregation Database (PMID: 32461654). The variant has been reported in ClinVar (Variation ID 186432). In silico tools suggest the impact of the variant on protein function is deleterious, though these predictions have not been confirmed by functional studies. The evidence is insufficient to meet ACMG/AMP criteria for classifying the variant as benign or pathogenic. Thus, the clinical significance of this variant is currently uncertain.

Color Diagnostics, LLC DBA Color Health
Classification: Uncertain significance for Hereditary cancer-predisposing syndrome. Last evaluated: 2020-12-15. Review status: criteria provided, single submitter. Criteria: ACMG Guidelines, 2015. Collection method: clinical testing. Allele origin: germline.
Comment: This missense variant replaces methionine with valine at codon 1270 of the MSH6 protein. Computational prediction suggests that this variant may have deleterious impact on protein structure and function (internally defined REVEL score threshold >= 0.7, PMID: 27666373). To our knowledge, functional studies have not been reported for this variant. This variant has not been reported in individuals affected with hereditary cancer in the literature. This variant has been identified in 3/251016 chromosomes in the general population by the Genome Aggregation Database (gnomAD). The available evidence is insufficient to determine the role of this variant in disease conclusively. Therefore, this variant is classified as a Variant of Uncertain Significance.

Literature cited by the submitters: PubMed 33471991 (cited by Ambry Genetics).

NM_000179.3(MSH6):c.3808A>G (p.Met1270Val)

Gene: MSH6 (mutS homolog 6; plus strand). Cytogenetic location: 2p16.3.
Variant type: single nucleotide variant.
Coding change: c.3808A>G on transcript NM_000179.3 (MANE Select); coding-DNA position 3808, A replaced by G.
Protein change: p.Met1270Val; replaces methionine 1270 with valine.
Molecular consequence: missense variant.
Genome position (GRCh38, 1-based): chr2:47,806,458, A>G. VCF-style: chr2-47806458-A-G. GRCh37 (hg19) VCF-style: chr2-48033597-A-G.
Other names: c.3418A>G, p.Met1140Val (NM_001281492.2); c.2902A>G, p.Met968Val (NM_001281493.2, NM_001281494.2); short protein forms M1270V, M968V, M1140V.
Identifiers: ClinVar variation 186432 (VCV000186432.20), dbSNP rs757963162, ClinGen allele CA014425.